The following is an entry in ClinVar:

ClinVar aggregate classification (germline): Uncertain significance (1 of 4 stars; one submission).

Allele frequency attached by ClinVar (database versions not stated): gnomAD exomes 0.00001 and 0.00004; ExAC 0.00003; gnomAD 0.00004 and 0.00005; TOPMed 0.00004; 1000 Genomes Project 0.00020; 1000 Genomes Project 30x 0.00031.
gnomAD v4.1: 30 of 1,614,012 alleles (0.0019%); highest among the groups gnomAD compares: African/African-American, 0.016%; no homozygotes.

Submission:

Labcorp Genetics (formerly Invitae), Labcorp
Classification: Uncertain significance. Last evaluated: 2021-11-01. Review status: criteria provided, single submitter. Criteria: Invitae Variant Classification Sherloc (09022015). Collection method: clinical testing. Allele origin: germline.
Comment: This sequence change replaces arginine, which is basic and polar, with glutamine, which is neutral and polar, at codon 408 of the HTRA2 protein (p.Arg408Gln). This variant is present in population databases (rs550171858, gnomAD 0.02%). This variant has not been reported in the literature in individuals affected with HTRA2-related conditions. Algorithms developed to predict the effect of missense changes on protein structure and function are either unavailable or do not agree on the potential impact of this missense change (SIFT: "Tolerated"; PolyPhen-2: "Probably Damaging"; Align-GVGD: "Class C0"). Algorithms developed to predict the effect of sequence changes on RNA splicing suggest that this variant may create or strengthen a splice site. In summary, the available evidence is currently insufficient to determine the role of this variant in disease. Therefore, it has been classified as a Variant of Uncertain Significance.

NM_013247.5(HTRA2):c.1223G>A (p.Arg408Gln)

Genes: HTRA2 (HtrA serine peptidase 2; plus strand), LOXL3 (lysyl oxidase like 3; minus strand). Cytogenetic location: 2p13.1.
Variant type: single nucleotide variant.
Coding change: c.1223G>A on transcript NM_013247.5 (MANE Select); coding-DNA position 1223, G replaced by A.
Protein change: p.Arg408Gln; replaces arginine 408 with glutamine.
Molecular consequence: missense variant. On other transcripts: non-coding transcript variant (4), 3 prime UTR variant (3).
Genome position (GRCh38, 1-based): chr2:74,532,831, G>A. VCF-style: chr2-74532831-G-A. GRCh37 (hg19) VCF-style: chr2-74759958-G-A.
Other names: c.1157G>A, p.Arg386Gln (NM_001321727.1); c.1127G>A, p.Arg376Gln (NM_001321728.1); c.932G>A, p.Arg311Gln (NM_145074.2); c.*775C>T (NM_001289164.3, NM_001289165.2, NM_032603.5); short protein forms R311Q, R376Q, R386Q, R408Q.
Identifiers: ClinVar variation 1382224 (VCV001382224.3), dbSNP rs550171858, ClinGen allele CA1728612.
Genomic context (GRCh38, chr2:74,532,831, plus strand): 5'-AACTAGGCTTTGTACTCCTTCCTTTCTCTCTGTCCATTTTTCTCTATAGGGCTGGTCTGC[G>A]GCCTGGTGATGTGATTTTGGCCATTGGGGAGCAGATGGTACAAAATGCTGAAGATGTTTA-3'
Protein context (NP_037379.1, residues 398-418): LGSPAHRAGL[Arg408Gln]PGDVILAIGE